The following is an entry in ClinVar:

ClinVar aggregate classification (germline): Uncertain significance. Review status: criteria provided, multiple submitters, no conflicts (2 of 4 stars). 2 submissions from 2 submitters: Uncertain significance (2). Last evaluated 2026-02-24.

Conditions:
Hereditary cancer-predisposing syndrome. Also called: Tumor predisposition; Neoplastic Syndromes, Hereditary; Hereditary Cancer Syndrome; Hereditary neoplastic syndrome. Identifiers: Orphanet 140162, MedGen C0027672, MeSH D009386, MONDO:0015356.

Allele frequency attached by ClinVar (database versions not stated): gnomAD exomes below 0.00001.

Submissions (2):

GeneDx
Classification: Uncertain significance. Last evaluated: 2026-02-24. Review status: criteria provided, single submitter. Criteria: GeneDx Variant Classification Process June 2021. Collection method: clinical testing. Allele origin: germline.
Comment: Not observed at significant frequency in large population cohorts (gnomAD); In silico analysis supports that this missense variant has a deleterious effect on protein structure/function; Has not been previously published as pathogenic or benign to our knowledge

Ambry Genetics
Classification: Uncertain significance for Hereditary cancer-predisposing syndrome. Last evaluated: 2024-02-24. Review status: criteria provided, single submitter. Criteria: Ambry Variant Classification Scheme 2023. Collection method: clinical testing. Allele origin: germline.
Comment: The p.G67E variant (also known as c.200G>A), located in coding exon 1 of the TMEM127 gene, results from a G to A substitution at nucleotide position 200. The glycine at codon 67 is replaced by glutamic acid, an amino acid with similar properties. This amino acid position is conserved. In addition, this alteration is predicted to be deleterious by in silico analysis. Based on the available evidence, the clinical significance of this alteration remains unclear.

NM_017849.4(TMEM127):c.200G>A (p.Gly67Glu)

Gene: TMEM127 (transmembrane protein 127; minus strand). Cytogenetic location: 2q11.2.
Variant type: single nucleotide variant.
Coding change: c.200G>A on transcript NM_017849.4 (MANE Select); coding-DNA position 200, G replaced by A.
Protein change: p.Gly67Glu; replaces glycine 67 with glutamic acid.
Molecular consequence: missense variant. On other transcripts: intron variant (1).
Genome position (GRCh38, 1-based): chr2:96,265,182, C>T on the plus strand (G>A on the coding strand, the complement: TMEM127 is on the minus strand). VCF-style: chr2-96265182-C-T. GRCh37 (hg19) VCF-style: chr2-96930920-C-T.
Other names: c.200G>A, p.Gly67Glu (NM_001193304.3); c.-9+687G>A (NM_001407283.1); short protein forms G67E.
Identifiers: ClinVar variation 3227067 (VCV003227067.2), dbSNP rs1573977675, ClinGen allele CA347655911.
Genomic context (GRCh38, chr2:96,265,182, plus strand): 5'-CGCGCAGCACCCTCACCTTTCAGCAGGTCCGGGTGCACATAGCCCAACACGTCGGAGACC[C>T]CCAGCTCCTGGCGCGAACAGGTGCCTCCGTGGATGTGCAACCAGGCGGGCTCGGCGAGGG-3'
Protein context (NP_060319.1, residues 57-77): HGGTCSRQEL[Gly67Glu]VSDVLGYVHP